The following is an entry in ClinVar:

ClinVar aggregate classification (germline): Uncertain significance (1 of 4 stars; one submission).

Conditions:
Hereditary cancer-predisposing syndrome. Also called: Tumor predisposition; Neoplastic Syndromes, Hereditary; Hereditary Cancer Syndrome; Hereditary neoplastic syndrome. Identifiers: Orphanet 140162, MedGen C0027672, MeSH D009386, MONDO:0015356.

Submission:

Ambry Genetics
Classification: Uncertain significance for Hereditary cancer-predisposing syndrome. Last evaluated: 2018-03-23. Review status: criteria provided, single submitter. Criteria: Ambry Variant Classification Scheme 2023. Collection method: clinical testing. Allele origin: germline.
Comment: The p.F2831Y variant (also known as c.8492T>A), located in coding exon 57 of the ATM gene, results from a T to A substitution at nucleotide position 8492. The phenylalanine at codon 2831 is replaced by tyrosine, an amino acid with highly similar properties. This amino acid position is highly conserved in available vertebrate species. In addition, this alteration is predicted to be deleterious by in silico analysis. Since supporting evidence is limited at this time, the clinical significance of this alteration remains unclear.

NM_000051.4(ATM):c.8492T>A (p.Phe2831Tyr)

Genes: ATM (ATM serine/threonine kinase; plus strand), C11orf65 (chromosome 11 open reading frame 65; minus strand). Cytogenetic location: 11q22.3.
Variant type: single nucleotide variant.
Coding change: c.8492T>A on transcript NM_000051.4 (MANE Select); coding-DNA position 8492, T replaced by A.
Protein change: p.Phe2831Tyr; replaces phenylalanine 2831 with tyrosine.
Molecular consequence: missense variant. On other transcripts: intron variant (2).
Genome position (GRCh38, 1-based): chr11:108,345,816, T>A. VCF-style: chr11-108345816-T-A. GRCh37 (hg19) VCF-style: chr11-108216543-T-A.
Other names: c.8492T>A, p.Phe2831Tyr (NM_001351834.2); c.641-36745A>T (NM_001330368.2); c.695-10524A>T (NM_001351110.2); short protein forms F2831Y.
Identifiers: ClinVar variation 822507 (VCV000822507.6), dbSNP rs1591264665, ClinGen allele CA382518091.